The following is an entry in ClinVar:

NM_198578.4(LRRK2):c.5828G>A (p.Arg1943Gln)

Gene: LRRK2 (leucine rich repeat kinase 2; plus strand). Cytogenetic location: 12q12.
Variant type: single nucleotide variant.
Coding change: c.5828G>A on transcript NM_198578.4 (MANE Select); coding-DNA position 5828, G replaced by A.
Protein change: p.Arg1943Gln; replaces arginine 1943 with glutamine.
Molecular consequence: missense variant.
Genome position (GRCh38, 1-based): chr12:40,335,037, G>A. VCF-style: chr12-40335037-G-A. GRCh37 (hg19) VCF-style: chr12-40728839-G-A.
Other names: short protein forms R1943Q.
Identifiers: ClinVar variation 881283 (VCV000881283.5), dbSNP rs780057140, ClinGen allele CA6514551.

ClinVar aggregate classification (germline): Uncertain significance. Review status: criteria provided, multiple submitters, no conflicts (2 of 4 stars). 2 submissions from 2 submitters: Uncertain significance (2). Last evaluated 2026-05-13.

Conditions:
LRRK2-related disorder. Also called: LRRK2-related condition.
Autosomal dominant Parkinson disease 8. Also called: Parkinson disease 8, susceptibility to; LRRK2-Related Parkinson Disease; Parkinson disease 8. Identifiers: Orphanet 411602, MedGen C1846862, MONDO:0011764, OMIM 607060.

Allele frequency attached by ClinVar (database versions not stated): ExAC 0.00001; gnomAD 0.00001; gnomAD exomes 0.00002; TOPMed 0.00003.

Submissions (2):

PreventionGenetics, part of Exact Sciences
Classification: Uncertain significance for LRRK2-related condition. Last evaluated: 2026-05-13. Review status: criteria provided, single submitter. Criteria: ACMG Guidelines, 2015. Collection method: clinical testing. Allele origin: germline.
Comment: The LRRK2 c.5828G>A variant is predicted to result in the amino acid substitution p.Arg1943Gln. To our knowledge, this variant has not been reported in the literature. This variant is reported in 0.0065% of alleles in individuals of South Asian descent in gnomAD. At this time, the clinical significance of this variant is uncertain due to the absence of conclusive functional and genetic evidence.

Illumina Laboratory Services, Illumina
Classification: Uncertain significance for Autosomal dominant Parkinson disease 8. Last evaluated: 2018-01-12. Review status: criteria provided, single submitter. Criteria: ICSL Variant Classification Criteria 13 December 2019. Collection method: clinical testing. Allele origin: germline.